The following is an entry in ClinVar:

ClinVar aggregate classification (germline): Uncertain significance (1 of 4 stars; one submission).

Submission:

Ambry Genetics
Classification: Uncertain significance. Last evaluated: 2023-09-23. Review status: criteria provided, single submitter. Criteria: Ambry Variant Classification Scheme 2023. Collection method: clinical testing. Allele origin: germline.
Comment: The p.D594Y variant (also known as c.1780G>T), located in coding exon 16 of the RAD54L gene, results from a G to T substitution at nucleotide position 1780. The aspartic acid at codon 594 is replaced by tyrosine, an amino acid with highly dissimilar properties. This amino acid position is conserved. In addition, this alteration is predicted to be deleterious by in silico analysis. Since supporting evidence is limited at this time, the clinical significance of this alteration remains unclear.

NM_003579.4(RAD54L):c.1780G>T (p.Asp594Tyr)

Gene: RAD54L (RAD54 like; plus strand). Cytogenetic location: 1p34.1.
Variant type: single nucleotide variant.
Coding change: c.1780G>T on transcript NM_003579.4 (MANE Select); coding-DNA position 1780, G replaced by T.
Protein change: p.Asp594Tyr; replaces aspartic acid 594 with tyrosine.
Molecular consequence: missense variant.
Genome position (GRCh38, 1-based): chr1:46,274,628, G>T. VCF-style: chr1-46274628-G-T. GRCh37 (hg19) VCF-style: chr1-46740300-G-T.
Other names: c.1780G>T, p.Asp594Tyr (NM_001142548.2); c.1240G>T, p.Asp414Tyr (NM_001370766.1); short protein forms D414Y, D594Y.
Identifiers: ClinVar variation 3223419 (VCV003223419.1), dbSNP rs2148303428, ClinGen allele CA340185788.